The following is an entry in ClinVar:

NM_018444.4(PDP1):c.123G>T (p.Gln41His)

Gene: PDP1 (pyruvate dehydrogenase phosphatase catalytic subunit 1; plus strand). Cytogenetic location: 8q22.1.
Variant type: single nucleotide variant.
Coding change: c.123G>T on transcript NM_018444.4 (MANE Select); coding-DNA position 123, G replaced by T.
Protein change: p.Gln41His; replaces glutamine 41 with histidine.
Molecular consequence: missense variant.
Genome position (GRCh38, 1-based): chr8:93,922,182, G>T. VCF-style: chr8-93922182-G-T. GRCh37 (hg19) VCF-style: chr8-94934410-G-T.
Other names: c.198G>T, p.Gln66His (NM_001161779.2, NM_001161780.2); c.123G>T, p.Gln41His (NM_001161781.2); short protein forms Q66H, Q41H.
Identifiers: ClinVar variation 1998824 (VCV001998824.4), dbSNP rs2537058150, ClinGen allele CA371691044.

ClinVar aggregate classification (germline): Uncertain significance (1 of 4 stars; one submission).

Submission:

Labcorp Genetics (formerly Invitae), Labcorp
Classification: Uncertain significance. Last evaluated: 2022-05-25. Review status: criteria provided, single submitter. Criteria: Invitae Variant Classification Sherloc (09022015). Collection method: clinical testing. Allele origin: germline.
Comment: This sequence change replaces glutamine, which is neutral and polar, with histidine, which is basic and polar, at codon 41 of the PDP1 protein (p.Gln41His). This variant is not present in population databases (gnomAD no frequency). This variant has not been reported in the literature in individuals affected with PDP1-related conditions. Algorithms developed to predict the effect of missense changes on protein structure and function output the following: SIFT: "Tolerated"; PolyPhen-2: "Benign"; Align-GVGD: "Class C0". The histidine amino acid residue is found in multiple mammalian species, which suggests that this missense change does not adversely affect protein function. In summary, the available evidence is currently insufficient to determine the role of this variant in disease. Therefore, it has been classified as a Variant of Uncertain Significance.